The following is an entry in ClinVar:

NM_000642.3(AGL):c.880C>G (p.Pro294Ala)

Gene: AGL (amylo-alpha-1,6-glucosidase and 4-alpha-glucanotransferase; plus strand). Cytogenetic location: 1p21.2.
Variant type: single nucleotide variant.
Coding change: c.880C>G on transcript NM_000642.3 (MANE Select); coding-DNA position 880, C replaced by G.
Protein change: p.Pro294Ala; replaces proline 294 with alanine.
Molecular consequence: missense variant.
Genome position (GRCh38, 1-based): chr1:99,870,791, C>G. VCF-style: chr1-99870791-C-G. GRCh37 (hg19) VCF-style: chr1-100336347-C-G.
Other names: c.880C>G, p.Pro294Ala (NM_000028.3, NM_000643.3, NM_000644.3 and 3 more transcripts); c.832C>G, p.Pro278Ala (NM_000646.3); c.676C>G, p.Pro226Ala (NM_001425328.1, NM_001425329.1); c.502C>G, p.Pro168Ala (NM_001425332.1); short protein forms P294A, P278A, P168A, P226A.
Identifiers: ClinVar variation 1407522 (VCV001407522.3), dbSNP rs886044917, ClinGen allele CA341341335.

ClinVar aggregate classification (germline): Uncertain significance (1 of 4 stars; one submission).

Conditions:
Glycogen storage disease type III (GSD3). Also called: Cori disease; FORBES DISEASE. Identifiers: Orphanet 366, MedGen C0017922, MONDO:0009291, OMIM 232400.

Submission:

Labcorp Genetics (formerly Invitae), Labcorp
Classification: Uncertain significance for Glycogen storage disease type III. Last evaluated: 2021-11-11. Review status: criteria provided, single submitter. Criteria: Invitae Variant Classification Sherloc (09022015). Collection method: clinical testing. Allele origin: germline.
Comment: This sequence change replaces proline, which is neutral and non-polar, with alanine, which is neutral and non-polar, at codon 294 of the AGL protein (p.Pro294Ala). This variant is not present in population databases (gnomAD no frequency). This variant has not been reported in the literature in individuals affected with AGL-related conditions. Algorithms developed to predict the effect of missense changes on protein structure and function are either unavailable or do not agree on the potential impact of this missense change (SIFT: "Tolerated"; PolyPhen-2: "Probably Damaging"; Align-GVGD: "Class C0"). In summary, the available evidence is currently insufficient to determine the role of this variant in disease. Therefore, it has been classified as a Variant of Uncertain Significance.